The following is an entry in ClinVar:

ClinVar aggregate classification (germline): Uncertain significance. Review status: criteria provided, multiple submitters, no conflicts (2 of 4 stars). 3 submissions from 3 submitters: Uncertain significance (3). Last evaluated 2024-12-20.

Conditions:
Hereditary cancer-predisposing syndrome. Also called: Hereditary neoplastic syndrome; Neoplastic Syndromes, Hereditary; Tumor predisposition; Hereditary Cancer Syndrome. Identifiers: Orphanet 140162, MedGen C0027672, MeSH D009386, MONDO:0015356.

Allele frequency attached by ClinVar (database versions not stated): TOPMed below 0.00001; gnomAD 0.00001.
gnomAD v4.1: 2 of 1,613,960 alleles (0.00012%); highest among the groups gnomAD compares: Non-Finnish European, 0.000085%; no homozygotes.

Submissions (3):

Ambry Genetics
Classification: Uncertain significance for Hereditary cancer-predisposing syndrome. Last evaluated: 2024-12-20. Review status: criteria provided, single submitter. Criteria: Ambry Variant Classification Scheme 2023. Collection method: clinical testing. Allele origin: germline.
Comment: The p.S80N variant (also known as c.239G>A), located in coding exon 3 of the POLE gene, results from a G to A substitution at nucleotide position 239. The serine at codon 80 is replaced by asparagine, an amino acid with highly similar properties. This amino acid position is highly conserved in available vertebrate species. In addition, this alteration is predicted to be tolerated by in silico analysis. Based on the available evidence, the clinical significance of this variant remains unclear.

Labcorp Genetics (formerly Invitae), Labcorp
Classification: Uncertain significance. Last evaluated: 2022-12-18. Review status: criteria provided, single submitter. Criteria: Invitae Variant Classification Sherloc (09022015). Collection method: clinical testing. Allele origin: germline.
Comment: This sequence change replaces serine, which is neutral and polar, with asparagine, which is neutral and polar, at codon 80 of the POLE protein (p.Ser80Asn). This variant is not present in population databases (gnomAD no frequency). In summary, the available evidence is currently insufficient to determine the role of this variant in disease. Therefore, it has been classified as a Variant of Uncertain Significance. Advanced modeling of protein sequence and biophysical properties (such as structural, functional, and spatial information, amino acid conservation, physicochemical variation, residue mobility, and thermodynamic stability) performed at Invitae indicates that this missense variant is expected to disrupt POLE protein function. ClinVar contains an entry for this variant (Variation ID: 421857). This variant has not been reported in the literature in individuals affected with POLE-related conditions.

GeneDx
Classification: Uncertain significance. Last evaluated: 2016-08-01. Review status: criteria provided, single submitter. Criteria: GeneDx Variant Classification (06012015). Collection method: clinical testing. Allele origin: germline. Affected: yes.
Comment: This variant is denoted POLE c.239G>A at the cDNA level, p.Ser80Asn (S80N) at the protein level, and results in the change of a Serine to an Asparagine (AGT>AAT). This variant has not, to our knowledge, been published in the literature as pathogenic or benign. POLE Ser80Asn was not observed in approximately 6,500 individuals of European and African American ancestry in the NHLBI Exome Sequencing Project, suggesting it is not a common benign variant in these populations. Since Serine and Asparagine share similar properties, this is considered a conservative amino acid substitution. POLE Ser80Asn occurs at a position that is conserved across species and is not located within a known functional domain (Tahirov 2009, Preston 2010). In silico analyses predict that this variant is probably damaging to protein structure and function. Based on currently available evidence, it is unclear whether POLE Ser80Asn is a pathogenic or benign variant. We consider it to be a variant of uncertain significance.

NM_006231.4(POLE):c.239G>A (p.Ser80Asn)

Gene: POLE (DNA polymerase epsilon, catalytic subunit; minus strand). Cytogenetic location: 12q24.33.
Variant type: single nucleotide variant.
Coding change: c.239G>A on transcript NM_006231.4 (MANE Select); coding-DNA position 239, G replaced by A.
Protein change: p.Ser80Asn; replaces serine 80 with asparagine.
Molecular consequence: missense variant.
Genome position (GRCh38, 1-based): chr12:132,680,653, C>T on the plus strand (G>A on the coding strand, the complement: POLE is on the minus strand). VCF-style: chr12-132680653-C-T. GRCh37 (hg19) VCF-style: chr12-133257239-C-T.
Other names: short protein forms S80N.
Identifiers: ClinVar variation 421857 (VCV000421857.10), dbSNP rs1064795406, ClinGen allele CA16619485.